The following is an entry in ClinVar:

NM_017780.4(CHD7):c.4702del (p.Ala1567_Val1568insTer)

Gene: CHD7 (chromodomain helicase DNA binding protein 7; plus strand). Cytogenetic location: 8q12.2.
Variant type: Deletion.
Coding change: c.4702del on transcript NM_017780.4 (MANE Select); coding-DNA position 4702, one base deleted (G; older notation c.4702delG).
Protein change: p.Ala1567_Val1568insTer.
Molecular consequence: nonsense. On other transcripts: intron variant (1).
Genome position (GRCh38, 1-based): chr8:60,841,904, G deleted. VCF-style (leftmost placement, unchanged base first): chr8-60841903-AG-A. GRCh37 (hg19) VCF-style: chr8-61754462-AG-A.
Other names: c.1717-20325del (NM_001316690.1).
Identifiers: ClinVar variation 3144194 (VCV003144194.1), dbSNP rs2487946403, ClinGen allele CA2825001591.

ClinVar aggregate classification (germline): Pathogenic (1 of 4 stars; one submission).

Conditions:
Inborn genetic diseases. Identifiers: MedGen C0950123, MeSH D030342.

Submission:

Ambry Genetics
Classification: Pathogenic for Inborn genetic diseases. Last evaluated: 2024-02-26. Review status: criteria provided, single submitter. Criteria: Ambry Variant Classification Scheme 2023. Collection method: clinical testing. Allele origin: germline.
Comment: The c.4702delG (p.V1568*) alteration, located in exon 21 (coding exon 20) of the CHD7 gene, consists of a deletion of one nucleotide at position 4702. This changes the amino acid from a valine (V) to a stop codon at amino acid position 1568. This alteration is expected to result in loss of function by premature protein truncation or nonsense-mediated mRNA decay. This variant was not reported in population-based cohorts in the Genome Aggregation Database (gnomAD). Based on the available evidence, this alteration is classified as pathogenic.